The following is an entry in ClinVar:

NM_001845.6(COL4A1):c.3403G>A (p.Ala1135Thr)

Gene: COL4A1 (collagen type IV alpha 1 chain; minus strand). Cytogenetic location: 13q34.
Variant type: single nucleotide variant.
Coding change: c.3403G>A on transcript NM_001845.6 (MANE Select); coding-DNA position 3403, G replaced by A.
Protein change: p.Ala1135Thr; replaces alanine 1135 with threonine.
Molecular consequence: missense variant.
Genome position (GRCh38, 1-based): chr13:110,174,449, C>T on the plus strand (G>A on the coding strand, the complement: COL4A1 is on the minus strand). VCF-style: chr13-110174449-C-T. GRCh37 (hg19) VCF-style: chr13-110826796-C-T.
Other names: short protein forms A1135T.
Identifiers: ClinVar variation 3680687 (VCV003680687.2).
Genomic context (GRCh38, chr13:110,174,449, plus strand): 5'-ATCCCCTGGCCACTGTTCTCTATGTGCCCGGGCTGTGTCCCAAAGAGGGCCCTCTACCTG[C>T]TTCTCCTTTGACACCAGGGATGCCATCCAATCCTGGGAGGCCTTTGTCACCTTTTTCTCC-3'
Protein context (NP_001836.3, residues 1125-1145): LDGIPGVKGE[Ala1135Thr]GLPGTPGPTG

ClinVar aggregate classification (germline): Uncertain significance (1 of 4 stars; one submission).

gnomAD v4.1: 1 of 1,613,846 alleles (0.000062%); highest among the groups gnomAD compares: Non-Finnish European, 0.000085%; no homozygotes.

Submission:

Labcorp Genetics (formerly Invitae), Labcorp
Classification: Uncertain significance. Last evaluated: 2024-12-07. Review status: criteria provided, single submitter. Criteria: Invitae Variant Classification Sherloc (09022015). Collection method: clinical testing. Allele origin: germline.
Comment: This sequence change replaces alanine, which is neutral and non-polar, with threonine, which is neutral and polar, at codon 1135 of the COL4A1 protein (p.Ala1135Thr). This variant is not present in population databases (gnomAD no frequency). This variant has not been reported in the literature in individuals affected with COL4A1-related conditions. Invitae Evidence Modeling of protein sequence and biophysical properties (such as structural, functional, and spatial information, amino acid conservation, physicochemical variation, residue mobility, and thermodynamic stability) indicates that this missense variant is not expected to disrupt COL4A1 protein function with a negative predictive value of 95%. In summary, the available evidence is currently insufficient to determine the role of this variant in disease. Therefore, it has been classified as a Variant of Uncertain Significance.